The following is an entry in ClinVar:

NM_001038.6(SCNN1A):c.-23C>G

Gene: SCNN1A (sodium channel epithelial 1 subunit alpha; minus strand). Cytogenetic location: 12p13.31.
Variant type: single nucleotide variant.
Coding change: c.-23C>G on transcript NM_001038.6 (MANE Select); 23 bases upstream of the start codon, C replaced by G.
Molecular consequence: 5 prime UTR variant. On other transcripts: missense variant (2).
Genome position (GRCh38, 1-based): chr12:6,374,806, G>C on the plus strand (C>G on the coding strand, the complement: SCNN1A is on the minus strand). VCF-style: chr12-6374806-G-C. GRCh37 (hg19) VCF-style: chr12-6483972-G-C.
Other names: c.47C>G, p.Pro16Arg (NM_001159575.2); c.155C>G, p.Pro52Arg (NM_001159576.2); short protein forms P52R, P16R.
Identifiers: ClinVar variation 504738 (VCV000504738.7), dbSNP rs377074479, ClinGen allele CA6406336.
Genomic context (GRCh38, chr12:6,374,806, plus strand): 5'-GGGCTAGAGTCCTGCTCCTCCAGCTTGTTCCCCTCCATGAGACCTGGTATGGGCTGCAGA[G>C]GTCTAGGGTCCTGCTCCTCCAGCTTGTTCCCCTTCATGAGCCCCGGAGTGGATTGGGGAG-3'

ClinVar aggregate classification (germline): Conflicting classifications of pathogenicity. Review status: criteria provided, conflicting classifications (1 of 4 stars). 3 submissions from 3 submitters: Uncertain significance (2); Likely benign (1). Last evaluated 2025-04-13.

Conditions:
SCNN1A-related disorder. Also called: SCNN1A-related condition; SCNN1A-related disorders.
Bronchiectasis with or without elevated sweat chloride 2 (BESC2). Identifiers: Orphanet 60033, MedGen C2751666, MONDO:0013087, OMIM 613021.
Pseudohypoaldosteronism, type IB1, autosomal recessive. Also called: Autosomal recessive pseudohypoaldosteronism type 1; Pseudohypoaldosteronism, Type I, Recessive; Pseudohypoaldosteronism, Type I, Autosomal Recessive; PHA I, AUTOSOMAL RECESSIVE. Identifiers: Orphanet 171876, Orphanet 756, MedGen C5774176, MONDO:0009917, OMIM 264350.
Liddle syndrome 3. Identifiers: MedGen C4748292, MONDO:0029132, OMIM 618126.

Allele frequency attached by ClinVar (database versions not stated): gnomAD 0.00005 and 0.00007; TOPMed 0.00007; ESP Exome Variant Server 0.00015; 1000 Genomes Project 30x 0.00016; 1000 Genomes Project 0.00020; ExAC 0.00023.

Submissions (3):

PreventionGenetics, part of Exact Sciences
Classification: Likely benign for SCNN1A-related condition. Last evaluated: 2025-04-13. Review status: criteria provided, single submitter. Criteria: ACMG Guidelines, 2015. Collection method: clinical testing. Allele origin: germline.
Comment: This variant is classified as likely benign based on ACMG/AMP sequence variant interpretation guidelines (Richards et al. 2015 PMID: 25741868, with internal and published modifications).

Department of Pathology and Laboratory Medicine, Sinai Health System
Classification: Uncertain significance for Pseudohypoaldosteronism, type IB1, autosomal recessive; Bronchiectasis with or without elevated sweat chloride 2; Liddle syndrome 3. Last evaluated: 2021-11-12. Review status: criteria provided, single submitter. Criteria: ACMG Guidelines, 2015. Collection method: research. Allele origin: germline.

Laboratory for Molecular Medicine, Mass General Brigham Personalized Medicine
Classification: Uncertain significance. Last evaluated: 2017-11-02. Review status: criteria provided, single submitter. Criteria: LMM Criteria. Collection method: clinical testing. Allele origin: germline. Observed: 1 variant allele.
Comment: Variant classified as Uncertain Significance - Favor Benign. The p.Pro52Arg vari ant in SCNN1A has not been reported in individuals with pulmonary disease, but h as been identified in 0.2% (22/10146) of Ashkenazi Jewish chromosomes by the Gen ome Aggregation Database (gnomAD; dbSNP rs3770 74479). Computational prediction tools and conservation analysis suggest that th e variant may not impact the protein, though this information is not predictive enough to rule out pathogenicity. In summary, while the clinical significance of the p.Pro52Arg variant is uncertain, its frequency suggests that it is more lik ely to be benign. ACMG/AMP Criteria applied: BP4.

Literature cited by the submitters: PubMed 27582106 (cited by Laboratory for Molecular Medicine, Mass General Brigham Personalized Medicine).